The following is an entry in ClinVar:

NM_000444.6(PHEX):c.1700+5G>A

Genes: PHEX (phosphate regulating endopeptidase X-linked; plus strand), PTCHD1-AS (PTCHD1 and PHEX antisense RNA; minus strand). Cytogenetic location: Xp22.11.
Variant type: single nucleotide variant.
Coding change: c.1700+5G>A on transcript NM_000444.6 (MANE Select); 5 bases into the intron after coding-DNA position 1700, G replaced by A.
Molecular consequence: intron variant.
Genome position (GRCh38, 1-based): chrX:22,212,963, G>A. VCF-style: chrX-22212963-G-A. GRCh37 (hg19) VCF-style: chrX-22231080-G-A.
Other names: c.1700+5G>A (NM_001282754.2, NM_000444.5).
Identifiers: ClinVar variation 1513253 (VCV001513253.7), dbSNP rs2147164144, ClinGen allele CA2573158762.

ClinVar aggregate classification (germline): Pathogenic/Likely pathogenic. Review status: criteria provided, multiple submitters, no conflicts (2 of 4 stars). 2 submissions from 2 submitters: Pathogenic (1); Likely pathogenic (1). Last evaluated 2025-09-02.

Conditions:
Familial X-linked hypophosphatemic vitamin D refractory rickets (XLHRD). Also called: Hypophosphatemia, vitamin D-resistant rickets; Vitamin D-resistant rickets, X-linked; X-Linked Hypophosphatemia; Hypophosphatemic Rickets, X-Linked Dominant; HYPOPHOSPHATEMIC VITAMIN D-RESISTANT RICKETS. Identifiers: Orphanet 89936, MedGen C0733682, MONDO:0010619, OMIM 307800.

Submissions (2):

Labcorp Genetics (formerly Invitae), Labcorp
Classification: Pathogenic. Last evaluated: 2025-09-02. Review status: criteria provided, single submitter. Criteria: Invitae Variant Classification Sherloc (09022015). Collection method: clinical testing. Allele origin: germline.
Comment: This sequence change falls in intron 16 of the PHEX gene. It does not directly change the encoded amino acid sequence of the PHEX protein. It affects a nucleotide within the consensus splice site. This variant is not present in population databases (gnomAD no frequency). This variant has been observed in individual(s) with X-linked hypophosphatemia (PMID: 30682568; internal data). ClinVar contains an entry for this variant (Variation ID: 1513253). Variants that disrupt the consensus splice site are a relatively common cause of aberrant splicing (PMID: 17576681, 9536098). Algorithms developed to predict the effect of sequence changes on RNA splicing suggest that this variant may disrupt the consensus splice site. This variant disrupts the c.1700+5G nucleotide in the PHEX gene. Other variant(s) that disrupt this nucleotide have been determined to be pathogenic (PMID: 36060934). This suggests that this nucleotide is clinically significant, and that variants that disrupt this position are likely to be disease-causing. For these reasons, this variant has been classified as Pathogenic.

Victorian Clinical Genetics Services, Murdoch Childrens Research Institute
Classification: Likely pathogenic for Familial X-linked hypophosphatemic vitamin D refractory rickets. Last evaluated: 2024-10-08. Review status: criteria provided, single submitter. Criteria: ACMG Guidelines, 2015. Collection method: clinical testing. Allele origin: germline. Inheritance: X-linked dominant inheritance. Affected: yes.
Comment: Based on the classification scheme VCGS_Germline_v1.3.4, this variant is classified as Likely pathogenic. Following criteria are met: 0102 - Loss of function is a known mechanism of disease in this gene and is associated with hypophosphataemic rickets, X-linked dominant (MIM#307800). (I) 0110 - This gene is associated with X-linked dominant disease. (I) 0115 - Variants in this gene are known to have variable expressivity. Intrafamilial variability has been reported (PMID:22319799). (I) 0212 - Non-canonical splice site variant without proven consequence on splicing (no functional evidence available). (SP) 0251 - This variant is heterozygous. (I) 0301 - Variant is absent from gnomAD (both v2 and v3). (SP) 0505 - Abnormal splicing is predicted by in silico tools and affected nucleotide is highly conserved. (SP) 0704 - Another splice site variant comparable to the one identified in this case has limited previous evidence for pathogenicity. c.1700+5G>C has been reported in two individuals from one family with X-linked hypophosphataemia (PMID:36060934). (SP) 0803 - This variant has limited previous evidence of pathogenicity in unrelated individuals. This variant has been reported in ClinVar once as likely pathogenic, and in the literature in an individual with X-linked hypophosphataemia (PMID: 30682568). (SP) 0905 - No published segregation evidence has been identified for this variant. (I) 1007 - No published functional evidence has been identified for this variant. (I) 1208 - Inheritance information for this variant is not currently available in this individual. (I) Legend: (SP) - Supporting pathogenic, (I) - Information, (SB) - Supporting benign

Literature cited by the submitters: PubMed 30682568 (cited by Labcorp Genetics (formerly Invitae), Labcorp and Victorian Clinical Genetics Services, Murdoch Childrens Research Institute); PubMed 17576681 (cited by Labcorp Genetics (formerly Invitae), Labcorp); PubMed 9536098 (cited by Labcorp Genetics (formerly Invitae), Labcorp); PubMed 36060934 (cited by Labcorp Genetics (formerly Invitae), Labcorp and Victorian Clinical Genetics Services, Murdoch Childrens Research Institute); PubMed 22319799 (cited by Victorian Clinical Genetics Services, Murdoch Childrens Research Institute).